The following is an entry in ClinVar:

NM_000747.3(CHRNB1):c.302T>C (p.Leu101Pro)

Gene: CHRNB1 (cholinergic receptor nicotinic beta 1 subunit; plus strand). Cytogenetic location: 17p13.1.
Variant type: single nucleotide variant.
Coding change: c.302T>C on transcript NM_000747.3 (MANE Select); coding-DNA position 302, T replaced by C.
Protein change: p.Leu101Pro; replaces leucine 101 with proline.
Molecular consequence: missense variant.
Genome position (GRCh38, 1-based): chr17:7,446,891, T>C. VCF-style: chr17-7446891-T-C. GRCh37 (hg19) VCF-style: chr17-7350210-T-C.
Other names: c.302T>C (NM_000747.2); short protein forms L101P.
Identifiers: ClinVar variation 1034600 (VCV001034600.9), dbSNP rs1028687450, ClinGen allele CA287423831.

ClinVar aggregate classification (germline): Uncertain significance. Review status: criteria provided, multiple submitters, no conflicts (2 of 4 stars). 2 submissions from 2 submitters: Uncertain significance (2). Last evaluated 2023-12-04.

Conditions:
Congenital myasthenic syndrome 2A. Also called: Myasthenic syndrome, congenital, 2a, slow-channel. Identifiers: Orphanet 590, MedGen C4225374, MONDO:0014581, OMIM 616313.

Allele frequency attached by ClinVar (database versions not stated): gnomAD exomes below 0.00001 and 0.00001; gnomAD 0.00001; TOPMed 0.00001.
gnomAD v4.1: 20 of 1,613,042 alleles (0.0012%); highest among the groups gnomAD compares: African/African-American, 0.0027%; no homozygotes.

Submissions (2):

GeneDx
Classification: Uncertain significance. Last evaluated: 2023-12-04. Review status: criteria provided, single submitter. Criteria: GeneDx Variant Classification Process June 2021. Collection method: clinical testing. Allele origin: germline. Affected: yes.
Comment: In silico analysis supports that this missense variant has a deleterious effect on protein structure/function; Has not been previously published as pathogenic or benign to our knowledge

Labcorp Genetics (formerly Invitae), Labcorp
Classification: Uncertain significance for Congenital myasthenic syndrome 2A. Last evaluated: 2022-08-15. Review status: criteria provided, single submitter. Criteria: Invitae Variant Classification Sherloc (09022015). Collection method: clinical testing. Allele origin: germline.
Comment: In summary, the available evidence is currently insufficient to determine the role of this variant in disease. Therefore, it has been classified as a Variant of Uncertain Significance. Algorithms developed to predict the effect of missense changes on protein structure and function are either unavailable or do not agree on the potential impact of this missense change (SIFT: "Deleterious"; PolyPhen-2: "Possibly Damaging"; Align-GVGD: "Class C0"). ClinVar contains an entry for this variant (Variation ID: 1034600). This variant has not been reported in the literature in individuals affected with CHRNB1-related conditions. This variant is present in population databases (no rsID available, gnomAD 0.0009%). This sequence change replaces leucine, which is neutral and non-polar, with proline, which is neutral and non-polar, at codon 101 of the CHRNB1 protein (p.Leu101Pro).